The following is an entry in ClinVar:

NM_007294.4(BRCA1):c.5089T>C (p.Cys1697Arg)

Gene: BRCA1 (BRCA1 DNA repair associated; minus strand). Cytogenetic location: 17q21.31.
Variant type: single nucleotide variant.
Coding change: c.5089T>C on transcript NM_007294.4 (MANE Select); coding-DNA position 5089, T replaced by C.
Protein change: p.Cys1697Arg; replaces cysteine 1697 with arginine.
Molecular consequence: missense variant. On other transcripts: non-coding transcript variant (1).
Genome position (GRCh38, 1-based): chr17:43,063,937, A>G on the plus strand (T>C on the coding strand, the complement: BRCA1 is on the minus strand). VCF-style: chr17-43063937-A-G. GRCh37 (hg19) VCF-style: chr17-41215954-A-G.
Other names: NM_007294.4(BRCA1):c.5089T>C; 5208T>C; c.5086T>C, p.Cys1696Arg (NM_001407613.1, NM_001407614.1, NM_001407615.1 and 17 more transcripts); c.5083T>C, p.Cys1695Arg (NM_001407632.1, NM_001407633.1, NM_001407634.1 and 14 more transcripts); c.5011T>C, p.Cys1671Arg (NM_001407655.1, NM_001407653.1, NM_001407654.1); c.5008T>C, p.Cys1670Arg (NM_001407656.1, NM_001407657.1, NM_001407658.1); c.5005T>C, p.Cys1669Arg (NM_001407659.1, NM_001407660.1, NM_001407661.1 and 2 more transcripts); c.4966T>C, p.Cys1656Arg (NM_001407664.1, NM_001407919.1, NM_001407937.1 and 6 more transcripts); and 73 more; short protein forms C1697R, C1650R, C593R, C1718R, C1401R, C1586R, C1607R, C1608R.
Identifiers: ClinVar variation 55392 (VCV000055392.52), dbSNP rs80356993, ClinGen allele CA003228.

ClinVar aggregate classification (germline): Pathogenic. Review status: reviewed by expert panel (3 of 4 stars). 14 submissions from 14 submitters: Pathogenic (1). 13 of the submissions do not count toward it. Last evaluated 2024-06-11.

Conditions:
Hereditary cancer-predisposing syndrome. Also called: Hereditary Cancer Syndrome; Hereditary neoplastic syndrome; Neoplastic Syndromes, Hereditary; Tumor predisposition. Identifiers: Orphanet 140162, MedGen C0027672, MeSH D009386, MONDO:0015356.
Malignant tumor of breast. Also called: Cancer breast; Malignant breast neoplasm. Identifiers: MedGen C0006142, MONDO:0007254. Disease mechanism: loss of function.
Breast-ovarian cancer, familial, susceptibility to, 1 (BROVCA1). Also called: BRCA1 Hereditary Breast and Ovarian Cancer; OVARIAN CANCER, SUSCEPTIBILITY TO. Identifiers: Orphanet 145, MedGen C2676676, MONDO:0011450, OMIM 604370. Disease mechanism: loss of function.
BRCA1-related cancer predisposition. Identifiers: MedGen CN377757, MONDO:0700268.
Hereditary breast ovarian cancer syndrome. Also called: BRCA1- and BRCA2-Associated Hereditary Breast and Ovarian Cancer; Hereditary breast and ovarian cancer syndrome; Hereditary breast and ovarian cancer syndrome (HBOC); Breast and ovarian cancer; Hereditary breast and/or ovarian cancer syndrome; Hereditary breast and ovarian cancer. Identifiers: Orphanet 145, MedGen C0677776, MeSH D061325, MONDO:0003582. Disease mechanism: loss of function.

Submissions 1 to 7 of 15:

ClinGen ENIGMA BRCA1 and BRCA2 Variant Curation Expert Panel, ClinGen
Classification: Pathogenic for BRCA1-related cancer predisposition. Last evaluated: 2024-06-11. Review status: reviewed by expert panel. Criteria: CSpec BRCA1/2ACMG Rules Specifications V1.0. Collection method: curation. Allele origin: germline. Inheritance: Autosomal dominant inheritance.
Comment: The c.5089T>C variant in BRCA1 is a missense variant predicted to cause substitution of Cysteine by Arginine at amino acid 1697 (p.Cys1697Arg). This variant is absent from gnomAD v2.1 (exomes only, non-cancer subset, read depth >=25) and gnomAD v3.1 (non-cancer subset, read depth >=25) (PM2_Supporting met). This BRCA1 missense variant is within a key functional domain and the computational predictor BayesDel (noAF) gives a score of 0.40, above the recommended threshold of 0.28 for prediction of impact on BRCA1 function via protein change. SpliceAI predictor score of 0.05 suggests that the variant has no impact on splicing (score threshold <0.10) (PP3 met). Reported by three calibrated studies to exhibit protein function similar to pathogenic control variants (PMIDs: 30209399, 30257991, 30765603) (PS3 met). Cosegregation analysis of family(ies) carrying this variant provided evidence towards pathogenicity, and has a Bayes Score of 5.24, within the thresholds for moderate pathogenic evidence (LR >4.3 & <=18.7) (PP1_Moderate met; internal lab contributor). Multifactorial likelihood ratio analysis using clinically calibrated data produced a combined LR for this variant of 2735.2 (based on Cosegregation LR=730.6; Pathology LR=2.41; Family History LR=1.56), above the thresholds for Very strong evidence towards pathogenicity (LR>350) (PP4_Very strong met; PMID: 31131967, 31853058). In summary, this variant meets the criteria to be classified as a Pathogenic variant for BRCA1-related cancer predisposition based on the ACMG/AMP criteria applied as specified by the ENIGMA BRCA1/2 VCEP (PM2_Supporting, PP3, PS3, PP1_Moderate, PP4_Very strong).

Center for Genomic Medicine, Rigshospitalet, Copenhagen University Hospital
Classification: Pathogenic. Last evaluated: 2025-12-29. Review status: criteria provided, single submitter. Criteria: ACMG Guidelines, 2015. Collection method: clinical testing. Allele origin: germline. Not counted in ClinVar's aggregate classification.

Ambry Genetics
Classification: Likely pathogenic for Hereditary cancer-predisposing syndrome. Last evaluated: 2025-06-12. Review status: criteria provided, single submitter. Criteria: Ambry Variant Classification Scheme 2023. Collection method: clinical testing. Allele origin: germline. Not counted in ClinVar's aggregate classification.
Comment: The p.C1697R variant (also known as c.5089T>C), located in coding exon 16 of the BRCA1 gene, results from a T to C substitution at nucleotide position 5089. The cysteine at codon 1697 is replaced by arginine, an amino acid with highly dissimilar properties. This alteration has been identified in several breast/ovarian cancer kindreds and has not been reported in control populations (Bergthorsson JT, J. Med. Genet. 2001 Jun; 38(6):361-8; Malander S, Eur. J. Cancer 2004 Feb; 40(3):422-8; Thomassen M, Acta Oncol 2008; 47(4):772-7; Biunno I et al. Fam Cancer, 2014 Sep;13:437-44; Machackova E et al. Klin Onkol, 2019;32:51-71; Shao D et al. Cancer Sci, 2020 Feb;111:647-657; Dorling et al. N Engl J Med. 2021 02;384:428-439; Kechin A et al. Breast Cancer Res Treat, 2023 Jan;197:387-395). Structural modeling and functional assays evaluating homology directed DNA repair, proteolytic degradation, protein stability, transcriptional activation, and peptide binding ability have suggested that this alteration results in reduced or loss of wild type function (Vallon-Christersson J, Hum. Mol. Genet. 2001 Feb; 10(4):353-60; Williams RS, J. Biol. Chem. 2003 Dec;278(52):53007-16; Clapperton JA et al. Nat. Struct. Mol. Biol., 2004 Jun;11:512-8; Glover JN, Fam. Cancer 2006; 5(1):89-93; Anantha RW et al. Elife, 2017 04;6; Findlay GM et al. Nature, 2018 10;562:217-222; Fernandes VC et al. J Biol Chem, 2019 04;294:5980-5992; Petitalot A et al. Mol Cancer Res, 2019 01;17:54-69). Multifactorial and computational likelihood models predict this variant to be deleterious (Karchin R, PLoS Comput. Biol. 2007 Feb; 3(2):e26; Iversen ES, Cancer Epidemiol. Biomarkers Prev. 2011 Jun; 20(6):1078-88; Lee JS et al. J Med Genet, 2018 12;55:794-802; Parsons MT et al. Hum Mutat, 2019 09;40:1557-1578). This amino acid position is highly conserved in available vertebrate species. In addition, this alteration is predicted to be deleterious by in silico analysis. This variant is considered to be rare based on population cohorts in the Genome Aggregation Database (gnomAD). Based on the majority of available evidence to date, this variant is likely to be pathogenic.

Department of Clinical Genetics, Copenhagen University Hospital, Rigshospitalet
Classification: Pathogenic for Breast-ovarian cancer, familial, susceptibility to, 1. Last evaluated: 2024-05-27. Review status: criteria provided, single submitter. Criteria: ACMG Guidelines, 2015. Collection method: clinical testing. Allele origin: germline. Affected: yes. Not counted in ClinVar's aggregate classification.
Comment: PP3; PS3; PP1_Moderate; PM2_Supporting; PP4_Very_strong

Labcorp Genetics (formerly Invitae), Labcorp
Classification: Likely pathogenic for Hereditary breast ovarian cancer syndrome. Last evaluated: 2024-05-21. Review status: criteria provided, single submitter. Criteria: Invitae Variant Classification Sherloc (09022015). Collection method: clinical testing. Allele origin: germline. Not counted in ClinVar's aggregate classification.
Comment: This sequence change replaces cysteine, which is neutral and slightly polar, with arginine, which is basic and polar, at codon 1697 of the BRCA1 protein (p.Cys1697Arg). This variant is not present in population databases (gnomAD no frequency). This missense change has been observed in individual(s) with breast and/or ovarian cancer (PMID: 11157798, 11389159, 18465347, 36537080). This variant is also known as 5208T>C. ClinVar contains an entry for this variant (Variation ID: 55392). Advanced modeling performed at Invitae incorporating data from internal and/or published experimental studies (PMID: 30209399) indicates that this missense variant is expected to disrupt BRCA1 function with a positive predictive value of 95%. Experimental studies have shown that this missense change affects BRCA1 function (PMID: 11157798, 11389159, 14534301, 20516115, 28398198, 30209399, 30257991). In summary, the currently available evidence indicates that the variant is pathogenic, but additional data are needed to prove that conclusively. Therefore, this variant has been classified as Likely Pathogenic.

Baylor Genetics
Classification: Likely pathogenic for Breast-ovarian cancer, familial, susceptibility to, 1. Last evaluated: 2023-11-24. Review status: criteria provided, single submitter. Criteria: ACMG Guidelines, 2015. Collection method: clinical testing. Allele origin: unknown. Not counted in ClinVar's aggregate classification.

GeneDx
Classification: Pathogenic. Last evaluated: 2022-04-29. Review status: criteria provided, single submitter. Criteria: GeneDx Variant Classification Process June 2021. Collection method: clinical testing. Allele origin: germline. Affected: yes. Not counted in ClinVar's aggregate classification.
Comment: Observed in individuals with BRCA1-related cancers (Bergthorsson 2001, Vallon-Christersson 2001, Malander 2004, Cruger 2005, Thomassen 2008); Published functional studies demonstrate a damaging effect: impaired transcriptional activity, binding capacity, protein folding and stability, homologous recombination, cell survival, nuclear localization, and protein expression (Vallon-Christersson 2001, Glover 2006, Lee 2010, Anantha 2017, Findlay 2018, Petitalot 2019, Fernandes 2019); Not observed at significant frequency in large population cohorts (gnomAD); In silico analysis, which includes protein predictors and evolutionary conservation, supports a deleterious effect; Also known as 5208T>C; This variant is associated with the following publications: (PMID: 15133502, 30209399, 21447777, 17305420, 11389159, 20516115, 30415210, 30765603, 28398198, 16528612, 14534301, 31131967, 30257991, 18465347, 14746861, 31409081, 24729269, 10946236, 28277317, 24845084, 11157798, 20423312, 24772314, 28781887, 16098011, 32341426, 33087888, 31742824, 25348405)